The following is an entry in ClinVar:

NM_007194.4(CHEK2):c.303T>A (p.Asp101Glu)

Gene: CHEK2 (checkpoint kinase 2; minus strand). Cytogenetic location: 22q12.1.
Variant type: single nucleotide variant.
Coding change: c.303T>A on transcript NM_007194.4 (MANE Select); coding-DNA position 303, T replaced by A.
Protein change: p.Asp101Glu; replaces aspartic acid 101 with glutamic acid.
Molecular consequence: missense variant.
Genome position (GRCh38, 1-based): chr22:28,734,419, A>T on the plus strand (T>A on the coding strand, the complement: CHEK2 is on the minus strand). VCF-style: chr22-28734419-A-T. GRCh37 (hg19) VCF-style: chr22-29130407-A-T.
Other names: c.303T>A, p.Asp101Glu (NM_001005735.3, NM_001349956.3, NM_145862.3); c.-475T>A (NM_001257387.3); short protein forms D101E.
Identifiers: ClinVar variation 630425 (VCV000630425.10), dbSNP rs1569169871, ClinGen allele CA411090250.
Genomic context (GRCh38, chr22:28,734,419, plus strand): 5'-GTTTTTCTGAACAAAACGTGATACTATACAACAAAGGGTCTTACCAAGATTGGCAAATCC[A>T]TCCTGAAGGGCCCATAATCGAGCCCAGGGGGCAGGGGTAGGCTCCTCAGGTTCTTGGTCC-3'
Protein context (NP_009125.1, residues 91-111): APWARLWALQ[Asp101Glu]GFANLECVND

ClinVar aggregate classification (germline): Uncertain significance. Review status: criteria provided, multiple submitters, no conflicts (2 of 4 stars). 3 submissions from 3 submitters: Uncertain significance (3). Last evaluated 2025-05-13.

Conditions:
Familial cancer of breast. Also called: hereditary breast carcinoma; BREAST CANCER, FAMILIAL; Hereditary breast cancer. Identifiers: Orphanet 227535, MedGen C0346153, MONDO:0016419, OMIM 114480. Disease mechanism: loss of function.
Hereditary cancer-predisposing syndrome. Also called: Tumor predisposition; Neoplastic Syndromes, Hereditary; Hereditary neoplastic syndrome; Hereditary Cancer Syndrome. Identifiers: Orphanet 140162, MedGen C0027672, MeSH D009386, MONDO:0015356.

Submissions (3):

Color Diagnostics, LLC DBA Color Health
Classification: Uncertain significance for Hereditary cancer-predisposing syndrome. Last evaluated: 2025-05-13. Review status: criteria provided, single submitter. Criteria: ACMG Guidelines, 2015. Collection method: clinical testing. Allele origin: germline.
Comment: This missense variant replaces aspartic acid with glutamic acid at codon 101 of the CHEK2 protein. Computational prediction suggests that this variant may not impact protein structure and function. To our knowledge, functional studies have not been reported for this variant. This variant has not been reported in individuals affected with CHEK2-related disorders in the literature. This variant has not been identified in the general population by the Genome Aggregation Database (gnomAD). The available evidence is insufficient to determine the role of this variant in disease conclusively. Therefore, this variant is classified as a Variant of Uncertain Significance.

Labcorp Genetics (formerly Invitae), Labcorp
Classification: Uncertain significance for Familial cancer of breast. Last evaluated: 2024-06-03. Review status: criteria provided, single submitter. Criteria: Invitae Variant Classification Sherloc (09022015). Collection method: clinical testing. Allele origin: germline.
Comment: This sequence change replaces aspartic acid, which is acidic and polar, with glutamic acid, which is acidic and polar, at codon 101 of the CHEK2 protein (p.Asp101Glu). This variant is not present in population databases (gnomAD no frequency). This variant has not been reported in the literature in individuals affected with CHEK2-related conditions. ClinVar contains an entry for this variant (Variation ID: 630425). Algorithms developed to predict the effect of missense changes on protein structure and function output the following: SIFT: "Not Available"; PolyPhen-2: "Benign"; Align-GVGD: "Not Available". The glutamic acid amino acid residue is found in multiple mammalian species, which suggests that this missense change does not adversely affect protein function. In summary, the available evidence is currently insufficient to determine the role of this variant in disease. Therefore, it has been classified as a Variant of Uncertain Significance.

Ambry Genetics
Classification: Uncertain significance for Hereditary cancer-predisposing syndrome. Last evaluated: 2023-08-25. Review status: criteria provided, single submitter. Criteria: Ambry Variant Classification Scheme 2023. Collection method: clinical testing. Allele origin: germline.
Comment: The p.D101E variant (also known as c.303T>A), located in coding exon 1 of the CHEK2 gene, results from a T to A substitution at nucleotide position 303. The aspartic acid at codon 101 is replaced by glutamic acid, an amino acid with highly similar properties. This amino acid position is not well conserved in available vertebrate species, and glutamic acid is the reference amino acid in other vertebrate species. In addition, this alteration is predicted to be tolerated by in silico analysis. Since supporting evidence is limited at this time, the clinical significance of this alteration remains unclear.